The following is an entry in ClinVar:

NM_080860.4(RSPH1):c.205G>A (p.Gly69Arg)

Genes: RSPH1 (radial spoke head component 1; minus strand), LOC126653391 (CDK7 strongly-dependent group 2 enhancer GRCh37_chr21:43912470-43913669; plus strand). Cytogenetic location: 21q22.3.
Variant type: single nucleotide variant.
Coding change: c.205G>A on transcript NM_080860.4 (MANE Select); coding-DNA position 205, G replaced by A.
Protein change: p.Gly69Arg; replaces glycine 69 with arginine.
Molecular consequence: missense variant.
Genome position (GRCh38, 1-based): chr21:42,492,827, C>T on the plus strand (G>A on the coding strand, the complement: RSPH1 is on the minus strand). VCF-style: chr21-42492827-C-T. GRCh37 (hg19) VCF-style: chr21-43912937-C-T.
Other names: c.205G>A (NM_080860.2); c.91G>A, p.Gly31Arg (NM_001286506.2); short protein forms G31R, G69R.
Identifiers: ClinVar variation 1007033 (VCV001007033.9), dbSNP rs368878819, ClinGen allele CA10044017.

ClinVar aggregate classification (germline): Uncertain significance. Review status: criteria provided, multiple submitters, no conflicts (2 of 4 stars). 2 submissions from 2 submitters: Uncertain significance (2). Last evaluated 2025-09-01.

Conditions:
Primary ciliary dyskinesia. Also called: Ciliary dyskinesia. Identifiers: Orphanet 244, MedGen C0008780, MONDO:0016575, HP:0012265.
Inborn genetic diseases. Identifiers: MedGen C0950123, MeSH D030342.

Allele frequency attached by ClinVar (database versions not stated): ExAC 0.00002; gnomAD exomes 0.00002 and 0.00003; TOPMed 0.00003; gnomAD 0.00004 and 0.00005; ESP Exome Variant Server 0.00008.
gnomAD v4.1: 53 of 1,613,104 alleles (0.0033%); highest among the groups gnomAD compares: Non-Finnish European, 0.0042%; no homozygotes.

Submissions (2):

Ambry Genetics
Classification: Uncertain significance for Inborn genetic diseases. Last evaluated: 2025-09-01. Review status: criteria provided, single submitter. Criteria: Ambry Variant Classification Scheme 2023. Collection method: clinical testing. Allele origin: germline.

Labcorp Genetics (formerly Invitae), Labcorp
Classification: Uncertain significance for Primary ciliary dyskinesia. Last evaluated: 2022-07-19. Review status: criteria provided, single submitter. Criteria: Invitae Variant Classification Sherloc (09022015). Collection method: clinical testing. Allele origin: germline.
Comment: This sequence change replaces glycine, which is neutral and non-polar, with arginine, which is basic and polar, at codon 69 of the RSPH1 protein (p.Gly69Arg). In summary, the available evidence is currently insufficient to determine the role of this variant in disease. Therefore, it has been classified as a Variant of Uncertain Significance. Algorithms developed to predict the effect of sequence changes on RNA splicing suggest that this variant may disrupt the consensus splice site. Algorithms developed to predict the effect of missense changes on protein structure and function (SIFT, PolyPhen-2, Align-GVGD) all suggest that this variant is likely to be disruptive. ClinVar contains an entry for this variant (Variation ID: 1007033). This variant has not been reported in the literature in individuals affected with RSPH1-related conditions. This variant is present in population databases (rs368878819, gnomAD 0.003%).